The following is an entry in ClinVar:

NM_022437.3(ABCG8):c.434G>A (p.Arg145Lys)

Gene: ABCG8 (ATP binding cassette subfamily G member 8; plus strand). Cytogenetic location: 2p21.
Variant type: single nucleotide variant.
Coding change: c.434G>A on transcript NM_022437.3 (MANE Select); coding-DNA position 434, G replaced by A.
Protein change: p.Arg145Lys; replaces arginine 145 with lysine.
Molecular consequence: missense variant.
Genome position (GRCh38, 1-based): chr2:43,851,695, G>A. VCF-style: chr2-43851695-G-A. GRCh37 (hg19) VCF-style: chr2-44078834-G-A.
Other names: c.434G>A, p.Arg145Lys (NM_001357321.2); short protein forms R145K.
Identifiers: ClinVar variation 4766360 (VCV004766360.1).

ClinVar aggregate classification (germline): Uncertain significance (1 of 4 stars; one submission).

gnomAD v4.1: 1 of 1,614,252 alleles (0.000062%); highest among the groups gnomAD compares: East Asian, 0.0022%; no homozygotes.

Submission:

Labcorp Genetics (formerly Invitae), Labcorp
Classification: Uncertain significance. Last evaluated: 2025-02-04. Review status: criteria provided, single submitter. Criteria: Invitae Variant Classification Sherloc (09022015). Collection method: clinical testing. Allele origin: germline.
Comment: This sequence change replaces arginine, which is basic and polar, with lysine, which is basic and polar, at codon 145 of the ABCG8 protein (p.Arg145Lys). This variant is not present in population databases (gnomAD no frequency). This variant has not been reported in the literature in individuals affected with ABCG8-related conditions. Invitae Evidence Modeling of protein sequence and biophysical properties (such as structural, functional, and spatial information, amino acid conservation, physicochemical variation, residue mobility, and thermodynamic stability) indicates that this missense variant is not expected to disrupt ABCG8 protein function with a negative predictive value of 80%. In summary, the available evidence is currently insufficient to determine the role of this variant in disease. Therefore, it has been classified as a Variant of Uncertain Significance.